The following is an entry in ClinVar:

ClinVar aggregate classification (germline): Uncertain significance (1 of 4 stars; one submission).

Submission:

CeGaT Center for Human Genetics Tuebingen
Classification: Uncertain significance. Last evaluated: 2023-11-01. Review status: criteria provided, single submitter. Criteria: CeGaT Center For Human Genetics Tuebingen Variant Classification Criteria Version 2. Collection method: clinical testing. Allele origin: germline. Affected: yes. Observed: 1 variant allele.
Comment: GSE1: PM2, BP4

NM_014615.5(GSE1):c.2975T>A (p.Ile992Asn)

Gene: GSE1 (Gse1 coiled-coil protein; plus strand). Cytogenetic location: 16q24.1.
Variant type: single nucleotide variant.
Coding change: c.2975T>A on transcript NM_014615.5 (MANE Select); coding-DNA position 2975, T replaced by A.
Protein change: p.Ile992Asn; replaces isoleucine 992 with asparagine.
Molecular consequence: missense variant.
Genome position (GRCh38, 1-based): chr16:85,666,192, T>A. VCF-style: chr16-85666192-T-A. GRCh37 (hg19) VCF-style: chr16-85699798-T-A.
Other names: c.2663T>A, p.Ile888Asn (NM_001134473.3); c.2756T>A, p.Ile919Asn (NM_001278184.3); short protein forms I888N, I919N, I992N.
Identifiers: ClinVar variation 2672659 (VCV002672659.23), dbSNP rs904161588, ClinGen allele CA396997571.